The following is an entry in ClinVar:

ClinVar aggregate classification (germline): Uncertain significance (1 of 4 stars; one submission).

Allele frequency attached by ClinVar (database versions not stated): gnomAD exomes below 0.00001.
gnomAD v4.1: 1 of 1,612,694 alleles (0.000062%); highest among the groups gnomAD compares: Non-Finnish European, 0.000085%; no homozygotes.

Submission:

Ambry Genetics
Classification: Uncertain significance. Last evaluated: 2021-02-24. Review status: criteria provided, single submitter. Criteria: Ambry Variant Classification Scheme 2023. Collection method: clinical testing. Allele origin: germline.
Comment: The p.Q502E variant (also known as c.1504C>G), located in coding exon 12 of the RECQL gene, results from a C to G substitution at nucleotide position 1504. The glutamine at codon 502 is replaced by glutamic acid, an amino acid with highly similar properties. This amino acid position is well conserved in available vertebrate species. In addition, this alteration is predicted to be tolerated by in silico analysis. Since supporting evidence is limited at this time, the clinical significance of this alteration remains unclear.

NM_002907.4(RECQL):c.1504C>G (p.Gln502Glu)

Gene: RECQL (RecQ like helicase; minus strand). Cytogenetic location: 12p12.1.
Variant type: single nucleotide variant.
Coding change: c.1504C>G on transcript NM_002907.4 (MANE Select); coding-DNA position 1504, C replaced by G.
Protein change: p.Gln502Glu; replaces glutamine 502 with glutamic acid.
Molecular consequence: missense variant.
Genome position (GRCh38, 1-based): chr12:21,471,591, G>C on the plus strand (C>G on the coding strand, the complement: RECQL is on the minus strand). VCF-style: chr12-21471591-G-C. GRCh37 (hg19) VCF-style: chr12-21624525-G-C.
Other names: c.1504C>G, p.Gln502Glu (NM_032941.3); short protein forms Q502E.
Identifiers: ClinVar variation 1774059 (VCV001774059.2), dbSNP rs2137317160, ClinGen allele CA384116274.